The following is an entry in ClinVar:

NM_005886.3(KATNB1):c.889T>G (p.Ser297Ala)

Gene: KATNB1 (katanin regulatory subunit B1; plus strand). Cytogenetic location: 16q21.
Variant type: single nucleotide variant.
Coding change: c.889T>G on transcript NM_005886.3 (MANE Select); coding-DNA position 889, T replaced by G.
Protein change: p.Ser297Ala; replaces serine 297 with alanine.
Molecular consequence: missense variant.
Genome position (GRCh38, 1-based): chr16:57,753,110, T>G. VCF-style: chr16-57753110-T-G. GRCh37 (hg19) VCF-style: chr16-57787022-T-G.
Other names: c.889T>G (NM_005886.2); short protein forms S297A.
Identifiers: ClinVar variation 1963508 (VCV001963508.7), dbSNP rs572963582, ClinGen allele CA8080936.

ClinVar aggregate classification (germline): Conflicting classifications of pathogenicity. Review status: criteria provided, conflicting classifications (1 of 4 stars). 2 submissions from 2 submitters: Uncertain significance (1); Likely benign (1). Last evaluated 2023-06-02.

Conditions:
Inborn genetic diseases. Identifiers: MedGen C0950123, MeSH D030342.

Allele frequency attached by ClinVar (database versions not stated): ExAC 0.00002; TOPMed 0.00002; gnomAD exomes 0.00003; gnomAD 0.00005; 1000 Genomes Project 0.00020; 1000 Genomes Project 30x 0.00031.
gnomAD v4.1: 54 of 1,609,316 alleles (0.0034%); highest among the groups gnomAD compares: Admixed American, 0.017%; no homozygotes.

Submissions (2):

Ambry Genetics
Classification: Likely benign for Inborn genetic diseases. Last evaluated: 2023-06-02. Review status: criteria provided, single submitter. Criteria: Ambry Variant Classification Scheme 2023. Collection method: clinical testing. Allele origin: germline.

Labcorp Genetics (formerly Invitae), Labcorp
Classification: Uncertain significance. Last evaluated: 2023-04-14. Review status: criteria provided, single submitter. Criteria: Invitae Variant Classification Sherloc (09022015). Collection method: clinical testing. Allele origin: germline.
Comment: ClinVar contains an entry for this variant (Variation ID: 1963508). In summary, the available evidence is currently insufficient to determine the role of this variant in disease. Therefore, it has been classified as a Variant of Uncertain Significance. Advanced modeling of protein sequence and biophysical properties (such as structural, functional, and spatial information, amino acid conservation, physicochemical variation, residue mobility, and thermodynamic stability) performed at Invitae indicates that this missense variant is not expected to disrupt KATNB1 protein function. This variant has not been reported in the literature in individuals affected with KATNB1-related conditions. This variant is present in population databases (rs572963582, gnomAD 0.02%). This sequence change replaces serine, which is neutral and polar, with alanine, which is neutral and non-polar, at codon 297 of the KATNB1 protein (p.Ser297Ala).